The following is an entry in ClinVar:

NM_001429.4(EP300):c.5729C>G (p.Pro1910Arg)

Gene: EP300 (EP300 lysine acetyltransferase; plus strand). Cytogenetic location: 22q13.2.
Variant type: single nucleotide variant.
Coding change: c.5729C>G on transcript NM_001429.4 (MANE Select); coding-DNA position 5729, C replaced by G.
Protein change: p.Pro1910Arg; replaces proline 1910 with arginine.
Molecular consequence: missense variant.
Genome position (GRCh38, 1-based): chr22:41,177,440, C>G. VCF-style: chr22-41177440-C-G. GRCh37 (hg19) VCF-style: chr22-41573444-C-G.
Other names: p.Pro1910Arg; c.5651C>G, p.Pro1884Arg (NM_001362843.2); short protein forms P1884R, P1910R.
Identifiers: ClinVar variation 4073625 (VCV004073625.1).
Genomic context (GRCh38, chr22:41,177,440, plus strand): 5'-CTCAAGCTGCTGGCCCTGTGTCCCAGGGTAAGGCAGCAGGCCAGGTGACCCCTCCAACCC[C>G]TCCTCAGACTGCTCAGCCACCCCTTCCAGGGCCCCCACCTGCAGCAGTGGAAATGGCAAT-3'
Protein context (NP_001420.2, residues 1900-1920): KAAGQVTPPT[Pro1910Arg]PQTAQPPLPG

ClinVar aggregate classification (germline): Uncertain significance (1 of 4 stars; one submission).

Conditions:
Menke-Hennekam syndrome 2 (MKHK2). Identifiers: MedGen C5193035, MONDO:0020769, OMIM 618333.

Submission:

Foundation for Research in Genetics and Endocrinology, FRIGE's Institute of Human Genetics
Classification: Uncertain significance for Menke-Hennekam syndrome 2. Last evaluated: 2025-07-28. Review status: criteria provided, single submitter. Criteria: ACMG Guidelines, 2015. Collection method: clinical testing. Allele origin: germline. Inheritance: Autosomal dominant inheritance. Affected: yes. Observed: 1 heterozygote.
Comment: A heterozygous missense variant in exon 31 of the EP300 gene that results in the amino acid substitution of Arginine for Proline at codon 1910 (p.Pro1910Arg) was detected. The variant has not been reported in the 1000 genomes, gnomAD (v3.1), gnomAD (v2.1) and topmed databases. The in silico predictions of the variant are damaging by SIFT and LRT. The reference codon is conserved across species. In summary, the variant meets our criteria to be classified as a variant of uncertain significance.